The following is an entry in ClinVar:

ClinVar aggregate classification (germline): Pathogenic/Likely pathogenic. Review status: criteria provided, multiple submitters, no conflicts (2 of 4 stars). 7 submissions from 7 submitters: Pathogenic (4); Likely pathogenic (2). 1 of the submissions does not count toward it. Last evaluated 2025-08-19.

Conditions:
Mucopolysaccharidosis, MPS-III-A (MPS3A). Also called: SANFILIPPO SYNDROME A; SULFAMIDASE DEFICIENCY; MPS III A; MUCOPOLYSACCHARIDOSIS, TYPE IIIA, ATTENUATED; Mucopolysaccharidosis type IIIA (Sanfilippo A); MPS IIIA (Sanfilippo Syndrome Type A). Identifiers: Orphanet 581, Orphanet 79269, MedGen C0086647, MONDO:0009655, OMIM 252900.
SGSH-related disorder. Also called: SGSH-related condition.

Allele frequency attached by ClinVar (database versions not stated): ExAC 0.00001; gnomAD exomes 0.00001 and below 0.00001.
gnomAD v4.1: 5 of 1,611,786 alleles (0.00031%); highest among the groups gnomAD compares: Non-Finnish European, 0.00025%; no homozygotes.

Submissions (7):

Labcorp Genetics (formerly Invitae), Labcorp
Classification: Pathogenic for Mucopolysaccharidosis, MPS-III-A. Last evaluated: 2025-08-19. Review status: criteria provided, single submitter. Criteria: Invitae Variant Classification Sherloc (09022015). Collection method: clinical testing. Allele origin: germline.
Comment: This sequence change replaces glycine, which is neutral and non-polar, with arginine, which is basic and polar, at codon 90 of the SGSH protein (p.Gly90Arg). This variant is present in population databases (rs774010006, gnomAD 0.006%). This missense change has been observed in individual(s) with clinical features of SGSH-related conditions (PMID: 21204211, 21455105, 24875751). ClinVar contains an entry for this variant (Variation ID: 550542). Invitae Evidence Modeling of protein sequence and biophysical properties (such as structural, functional, and spatial information, amino acid conservation, physicochemical variation, residue mobility, and thermodynamic stability) indicates that this missense variant is expected to disrupt SGSH protein function with a positive predictive value of 95%. For these reasons, this variant has been classified as Pathogenic.

Natera, Inc.
Classification: Likely pathogenic for Mucopolysaccharidosis type IIIA. Last evaluated: 2025-07-30. Review status: criteria provided, single submitter. Criteria: Natera Variant Classification Schema (03/2026). Collection method: clinical testing. Allele origin: germline.
Comment: The c.268G>A variant in SGSH is a missense variant predicted to cause substitution of glycine to arginine at amino acid 90. This variant is rare in the general population with a frequency below the threshold expected for the associated phenotype(s). This variant has been observed in one or more individuals affected with the associated recessive disease, as either homozygous or compound heterozygous with a second variant (PMID: 21204211, 21455105, 24875751). Computational prediction algorithms indicate this variant is likely to affect gene or protein function. Given the available evidence, this variant is classified as Likely Pathogenic.

Blueprint Genetics
Classification: Pathogenic for SGSH-related disorders. Last evaluated: 2024-05-10. Review status: criteria provided, single submitter. Criteria: ACMG Guidelines, 2015. Collection method: clinical testing. Allele origin: germline. Affected: yes. Observed: 3 variant alleles.

Neuberg Centre For Genomic Medicine, NCGM
Classification: Likely pathogenic for Mucopolysaccharidosis, MPS-III-A. Last evaluated: 2023-07-22. Review status: criteria provided, single submitter. Criteria: ACMG Guidelines, 2015. Collection method: clinical testing. Allele origin: germline. Inheritance: Autosomal recessive inheritance. Affected: yes.
Comment: The observed missense c.268G>Ap.Gly90Arg variant in SGSH gene has been reported previously in homozygous or compound heterozygous state in individuals affected with Mucopolysaccharidosis type IIIA Ugrinov et al., 2015. This variant is reported with the allele frequency of 0.0008% in the gnomAD Exomes. This variant has been reported to the ClinVar database as Likely Pathogenic / Pathogenic. The amino acid Gly at position 90 is changed to a Arg changing protein sequence and it might alter its composition and physico-chemical properties. The amino acid change p.Gly90Arg in SGSH is predicted as conserved by GERP++ and PhyloP across 100 vertebrates. Multiple lines of computational evidence Polyphen - Damaging, SIFT - Damaging, and MutationTaster - Disease causing predict a damaging effect on protein structure and function for this variant. Same amino acid change as a previously established pathogenic variant regardless of nucleotide change. For these reasons, this variant has been classified as Likely Pathogenic.

Genome-Nilou Lab
Classification: Pathogenic for Mucopolysaccharidosis, MPS-III-A. Last evaluated: 2021-11-07. Review status: criteria provided, single submitter. Criteria: ACMG Guidelines, 2015. Collection method: clinical testing. Allele origin: germline. Affected: no.

Women's Health and Genetics/Laboratory Corporation of America, LabCorp
Classification: Pathogenic for Mucopolysaccharidosis, MPS-III-A. Last evaluated: 2019-11-15. Review status: criteria provided, single submitter. Criteria: LabCorp Variant Classification Summary - May 2015. Collection method: clinical testing. Allele origin: germline.
Comment: Variant summary: SGSH c.268G>A (p.Gly90Arg) results in a non-conservative amino acid change located in the Sulfatase, N-terminal domain of the encoded protein sequence. Five of five in-silico tools predict a damaging effect of the variant on protein function. The variant allele was found at a frequency of 8e-06 in 248612 control chromosomes (gnomAD). c.268G>A has been reported in the literature in multiple individuals affected with Mucopolysaccharidosis Type IIIA (Sanfilippo Syndrome A)(Bunge_1997, Sun_2011, Heron_2011, Chistiakov_2014). These data indicate that the variant is very likely to be associated with disease. To our knowledge, no experimental evidence demonstrating an impact on protein function has been reported. A ClinVar submission (evaluation after 2014) cites the variant as likely pathogenic. Based on the evidence outlined above, the variant was classified as pathogenic.

Counsyl
Classification: Likely pathogenic for Mucopolysaccharidosis, MPS-III-A. Last evaluated: 2017-02-01. Review status: no assertion criteria provided. Collection method: clinical testing. Allele origin: unknown. Not counted in ClinVar's aggregate classification.

Literature cited by the submitters: PubMed 21204211 (cited by 4 submitters); PubMed 21455105 (cited by 3 submitters); PubMed 24875751 (cited by 4 submitters); PubMed 9401012 (cited by Women's Health and Genetics/Laboratory Corporation of America, LabCorp and Counsyl); PubMed 21393040 (cited by Women's Health and Genetics/Laboratory Corporation of America, LabCorp and Counsyl).

NM_000199.5(SGSH):c.268G>A (p.Gly90Arg)

Gene: SGSH (N-sulfoglucosamine sulfohydrolase; minus strand). Cytogenetic location: 17q25.3.
Variant type: single nucleotide variant.
Coding change: c.268G>A on transcript NM_000199.5 (MANE Select); coding-DNA position 268, G replaced by A.
Protein change: p.Gly90Arg; replaces glycine 90 with arginine.
Molecular consequence: missense variant.
Genome position (GRCh38, 1-based): chr17:80,215,120, C>T on the plus strand (G>A on the coding strand, the complement: SGSH is on the minus strand). VCF-style: chr17-80215120-C-T. GRCh37 (hg19) VCF-style: chr17-78188919-C-T.
Other names: c.268G>A, p.Gly90Arg (NM_001352921.3, NM_001352922.2); c.268G>A (NM_000199.4); short protein forms G90R.
Identifiers: ClinVar variation 550542 (VCV000550542.20), dbSNP rs774010006, ClinGen allele CA8818097.